The following is an entry in ClinVar:

ClinVar aggregate classification (germline): Uncertain significance (1 of 4 stars; one submission).

Conditions:
Epilepsy, idiopathic generalized, susceptibility to, 13. Also called: EPILEPSY, JUVENILE MYOCLONIC, SUSCEPTIBILITY TO, 5. Identifiers: Orphanet 307, Orphanet 64280, MedGen C4013473, MONDO:0012627, OMIM 611136.
Epilepsy, childhood absence 4 (ECA4). Also called: EPILEPSY, CHILDHOOD ABSENCE, SUSCEPTIBILITY TO, 4. Identifiers: Orphanet 307, MedGen C1970160.
Idiopathic generalized epilepsy. Also called: EIG; Generalised epilepsy. Identifiers: MedGen C0270850, MONDO:0005579, OMIM 600669.

Submission:

Labcorp Genetics (formerly Invitae), Labcorp
Classification: Uncertain significance for Epilepsy, childhood absence 4; Epilepsy, idiopathic generalized, susceptibility to, 13; Idiopathic generalized epilepsy. Last evaluated: 2024-12-24. Review status: criteria provided, single submitter. Criteria: Invitae Variant Classification Sherloc (09022015). Collection method: clinical testing. Allele origin: germline.
Comment: This sequence change replaces tryptophan, which is neutral and slightly polar, with cysteine, which is neutral and slightly polar, at codon 439 of the GABRA1 protein (p.Trp439Cys). This variant is not present in population databases (gnomAD no frequency). This variant has not been reported in the literature in individuals affected with GABRA1-related conditions. Invitae Evidence Modeling of protein sequence and biophysical properties (such as structural, functional, and spatial information, amino acid conservation, physicochemical variation, residue mobility, and thermodynamic stability) indicates that this missense variant is expected to disrupt GABRA1 protein function with a positive predictive value of 95%. In summary, the available evidence is currently insufficient to determine the role of this variant in disease. Therefore, it has been classified as a Variant of Uncertain Significance.

NM_001127644.2(GABRA1):c.1317G>C (p.Trp439Cys)

Gene: GABRA1 (gamma-aminobutyric acid type A receptor subunit alpha1; plus strand). Cytogenetic location: 5q34.
Variant type: single nucleotide variant.
Coding change: c.1317G>C on transcript NM_001127644.2 (MANE Select); coding-DNA position 1317, G replaced by C.
Protein change: p.Trp439Cys; replaces tryptophan 439 with cysteine.
Molecular consequence: missense variant.
Genome position (GRCh38, 1-based): chr5:161,897,368, G>C. VCF-style: chr5-161897368-G-C. GRCh37 (hg19) VCF-style: chr5-161324374-G-C.
Other names: c.1317G>C, p.Trp439Cys (NM_001127648.2, NM_000806.5, NM_001127643.2 and 1 more transcripts); short protein forms W439C.
Identifiers: ClinVar variation 3753875 (VCV003753875.2).